The following is an entry in ClinVar:

NM_014629.4(ARHGEF10):c.2830C>T (p.Arg944Cys)

Gene: ARHGEF10 (Rho guanine nucleotide exchange factor 10; plus strand). Cytogenetic location: 8p23.3.
Variant type: single nucleotide variant.
Coding change: c.2830C>T on transcript NM_014629.4 (MANE Select); coding-DNA position 2830, C replaced by T.
Protein change: p.Arg944Cys; replaces arginine 944 with cysteine.
Molecular consequence: missense variant.
Genome position (GRCh38, 1-based): chr8:1,928,559, C>T. VCF-style: chr8-1928559-C-T. GRCh37 (hg19) VCF-style: chr8-1876725-C-T.
Other names: c.2716C>T, p.Arg906Cys (NM_001308152.2); c.2830C>T, p.Arg944Cys (NM_001308153.3); short protein forms R906C, R944C, R968C.
Identifiers: ClinVar variation 1375983 (VCV001375983.6), dbSNP rs756321220, ClinGen allele CA4601080.

ClinVar aggregate classification (germline): Uncertain significance (1 of 4 stars; one submission).

Allele frequency attached by ClinVar (database versions not stated): ExAC 0.00001; gnomAD 0.00001; gnomAD exomes 0.00001; TOPMed 0.00002.

Submission:

Labcorp Genetics (formerly Invitae), Labcorp
Classification: Uncertain significance. Last evaluated: 2024-04-25. Review status: criteria provided, single submitter. Criteria: Invitae Variant Classification Sherloc (09022015). Collection method: clinical testing. Allele origin: germline.
Comment: This sequence change replaces arginine, which is basic and polar, with cysteine, which is neutral and slightly polar, at codon 944 of the ARHGEF10 protein (p.Arg944Cys). This variant is present in population databases (rs756321220, gnomAD 0.002%). This variant has not been reported in the literature in individuals affected with ARHGEF10-related conditions. ClinVar contains an entry for this variant (Variation ID: 1375983). Advanced modeling of protein sequence and biophysical properties (such as structural, functional, and spatial information, amino acid conservation, physicochemical variation, residue mobility, and thermodynamic stability) performed at Invitae indicates that this missense variant is not expected to disrupt ARHGEF10 protein function with a negative predictive value of 80%. In summary, the available evidence is currently insufficient to determine the role of this variant in disease. Therefore, it has been classified as a Variant of Uncertain Significance.